The following is an entry in ClinVar:

ClinVar aggregate classification (germline): Uncertain significance (1 of 4 stars; one submission).

Conditions:
Primary ciliary dyskinesia. Also called: Ciliary dyskinesia. Identifiers: Orphanet 244, MedGen C0008780, MONDO:0016575, HP:0012265.

Submission:

Labcorp Genetics (formerly Invitae), Labcorp
Classification: Uncertain significance for Primary ciliary dyskinesia. Last evaluated: 2021-04-21. Review status: criteria provided, single submitter. Criteria: Invitae Variant Classification Sherloc (09022015). Collection method: clinical testing. Allele origin: germline.
Comment: In summary, the available evidence is currently insufficient to determine the role of this variant in disease. Therefore, it has been classified as a Variant of Uncertain Significance. Algorithms developed to predict the effect of missense changes on protein structure and function are either unavailable or do not agree on the potential impact of this missense change (SIFT: "Deleterious"; PolyPhen-2: "Not Available"; Align-GVGD: "Class C0"). This variant has not been reported in the literature in individuals with DNAH8-related conditions. This variant is not present in population databases (ExAC no frequency). This sequence change replaces histidine with tyrosine at codon 77 of the DNAH8 protein (p.His77Tyr). The histidine residue is weakly conserved and there is a moderate physicochemical difference between histidine and tyrosine.

NM_001206927.2(DNAH8):c.229C>T (p.His77Tyr)

Genes: DNAH8 (dynein axonemal heavy chain 8; plus strand), LOC126859667 (BRD4-independent group 4 enhancer GRCh37_chr6:38690326-38691525; plus strand). Cytogenetic location: 6p21.2.
Variant type: single nucleotide variant.
Coding change: c.229C>T on transcript NM_001206927.2 (MANE Select); coding-DNA position 229, C replaced by T.
Protein change: p.His77Tyr; replaces histidine 77 with tyrosine.
Molecular consequence: missense variant. On other transcripts: 5 prime UTR variant (1).
Genome position (GRCh38, 1-based): chr6:38,723,038, C>T. VCF-style: chr6-38723038-C-T. GRCh37 (hg19) VCF-style: chr6-38690814-C-T.
Other names: c.-338C>T (NM_001371.4); short protein forms H77Y.
Identifiers: ClinVar variation 1449505 (VCV001449505.8), dbSNP rs1357378794, ClinGen allele CA363984686.